The following is an entry in ClinVar:

NM_182972.3(IRF2BP2):c.1330G>A (p.Ala444Thr)

Gene: IRF2BP2 (interferon regulatory factor 2 binding protein 2; minus strand). Cytogenetic location: 1q42.3.
Variant type: single nucleotide variant.
Coding change: c.1330G>A on transcript NM_182972.3 (MANE Select); coding-DNA position 1330, G replaced by A.
Protein change: p.Ala444Thr; replaces alanine 444 with threonine.
Molecular consequence: missense variant.
Genome position (GRCh38, 1-based): chr1:234,607,571, C>T on the plus strand (G>A on the coding strand, the complement: IRF2BP2 is on the minus strand). VCF-style: chr1-234607571-C-T. GRCh37 (hg19) VCF-style: chr1-234743317-C-T.
Other names: c.1282G>A, p.Ala428Thr (NM_001077397.1); short protein forms A428T, A444T.
Identifiers: ClinVar variation 1334087 (VCV001334087.11), dbSNP rs766802305, ClinGen allele CA1461586.

ClinVar aggregate classification (germline): Conflicting classifications of pathogenicity. Review status: criteria provided, conflicting classifications (1 of 4 stars). 4 submissions from 4 submitters: Uncertain significance (3); Likely benign (1). Last evaluated 2026-01-05.

Conditions:
Immunodeficiency, common variable, 14. Identifiers: Orphanet 696904, MedGen C4540380, MONDO:0054691, OMIM 617765.

Allele frequency attached by ClinVar (database versions not stated): TOPMed 0.00009; ExAC 0.00010; gnomAD 0.00011; gnomAD exomes 0.00012 and 0.00024.

Submissions (4):

Labcorp Genetics (formerly Invitae), Labcorp
Classification: Uncertain significance. Last evaluated: 2026-01-05. Review status: criteria provided, single submitter. Criteria: Invitae Variant Classification Sherloc (09022015). Collection method: clinical testing. Allele origin: germline.
Comment: This sequence change replaces alanine, which is neutral and non-polar, with threonine, which is neutral and polar, at codon 444 of the IRF2BP2 protein (p.Ala444Thr). This variant is present in population databases (rs766802305, gnomAD 0.02%). This variant has not been reported in the literature in individuals affected with IRF2BP2-related conditions. ClinVar contains an entry for this variant (Variation ID: 1334087). An algorithm developed to predict the effect of missense changes on protein structure and function (PolyPhen-2) suggests that this variant is likely to be tolerated. In summary, the available evidence is currently insufficient to determine the role of this variant in disease. Therefore, it has been classified as a Variant of Uncertain Significance.

Ambry Genetics
Classification: Uncertain significance. Last evaluated: 2025-02-27. Review status: criteria provided, single submitter. Criteria: Ambry Variant Classification Scheme 2023. Collection method: clinical testing. Allele origin: germline.

Blueprint Genetics
Classification: Likely benign. Last evaluated: 2024-05-27. Review status: criteria provided, single submitter. Criteria: ACMG Guidelines, 2015. Collection method: clinical testing. Allele origin: germline.

CENTOGENE GmbH and LLC - Guiding Precision Medicine
Classification: Uncertain significance for Immunodeficiency, common variable, 14. Last evaluated: 2019-06-04. Review status: criteria provided, single submitter. Criteria: ACMG Guidelines, 2015. Collection method: clinical testing. Allele origin: germline. Affected: yes.